The following is an entry in ClinVar:

ClinVar aggregate classification (germline): Conflicting classifications of pathogenicity. Review status: criteria provided, conflicting classifications (1 of 4 stars). 3 submissions from 3 submitters: Uncertain significance (1); Likely benign (1). 1 of the submissions does not count toward it. Last evaluated 2025-09-04.

Conditions:
Congenital myasthenic syndrome 4A. Also called: Myasthenic syndrome, congenital, 4a, slow-channel; MYASTHENIC SYNDROME, CONGENITAL, 4A, SLOW-CHANNEL, AUTOSOMAL RECESSIVE; CONGENITAL MYASTHENIC SYNDROME TYPE Ia1. Identifiers: Orphanet 590, MedGen C4225413, MONDO:0011600, OMIM 605809.
CHRNE-related disorder. Also called: CHRNE-related condition.

Allele frequency attached by ClinVar (database versions not stated): ExAC 0.00001; gnomAD 0.00001; gnomAD exomes 0.00001; TOPMed 0.00003.
gnomAD v4.1: 14 of 1,609,436 alleles (0.00087%); highest among the groups gnomAD compares: African/African-American, 0.0027%; no homozygotes.

Submissions (3):

Labcorp Genetics (formerly Invitae), Labcorp
Classification: Likely benign for Congenital myasthenic syndrome 4A. Last evaluated: 2025-09-04. Review status: criteria provided, single submitter. Criteria: Invitae Variant Classification Sherloc (09022015). Collection method: clinical testing. Allele origin: germline.

Breakthrough Genomics
Classification: Uncertain significance. Review status: criteria provided, single submitter. Criteria: ACMG Guidelines, 2015. Collection method: not provided. Allele origin: germline. Inheritance: Autosomal recessive inheritance. Affected: yes.

PreventionGenetics, part of Exact Sciences
Classification: Likely benign for CHRNE-related condition. Last evaluated: 2022-05-04. Review status: no assertion criteria provided. Collection method: clinical testing. Allele origin: germline. Not counted in ClinVar's aggregate classification.
Comment: This variant is classified as likely benign based on ACMG/AMP sequence variant interpretation guidelines (Richards et al. 2015 PMID: 25741868, with internal and published modifications).

NM_000080.4(CHRNE):c.1299C>T (p.Ser433=)

Gene: CHRNE (cholinergic receptor nicotinic epsilon subunit; minus strand). Cytogenetic location: 17p13.2.
Variant type: single nucleotide variant.
Coding change: c.1299C>T on transcript NM_000080.4 (MANE Select); coding-DNA position 1299, C replaced by T.
Protein change: p.Ser433=; no amino-acid change (serine 433 retained).
Molecular consequence: synonymous variant.
Genome position (GRCh38, 1-based): chr17:4,899,028, G>A on the plus strand (C>T on the coding strand, the complement: CHRNE is on the minus strand). VCF-style: chr17-4899028-G-A. GRCh37 (hg19) VCF-style: chr17-4802323-G-A.
Other names: c.1299C>T (NM_000080.3).
Identifiers: ClinVar variation 1408085 (VCV001408085.9), dbSNP rs773970037, ClinGen allele CA8313897.